The following is an entry in ClinVar:

NM_005431.2(XRCC2):c.154A>G (p.Thr52Ala)

Gene: XRCC2 (X-ray repair cross complementing 2; minus strand). Cytogenetic location: 7q36.1.
Variant type: single nucleotide variant.
Coding change: c.154A>G on transcript NM_005431.2 (MANE Select); coding-DNA position 154, A replaced by G.
Protein change: p.Thr52Ala; replaces threonine 52 with alanine.
Molecular consequence: missense variant.
Genome position (GRCh38, 1-based): chr7:152,649,331, T>C on the plus strand (A>G on the coding strand, the complement: XRCC2 is on the minus strand). VCF-style: chr7-152649331-T-C. GRCh37 (hg19) VCF-style: chr7-152346416-T-C.
Other names: short protein forms T52A.
Identifiers: ClinVar variation 2981056 (VCV002981056.3), dbSNP rs2485882120, ClinGen allele CA370199308.
Genomic context (GRCh38, chr7:152,649,331, plus strand): 5'-CTTCTGATTTGGGAAGTATACATCGTGCTGTTAGGTGATAAAGCATTTCTGTTTTTCCTG[T>C]TCCTTCTGGGCCATGAAATTCAAGAATATCACCTGTGTAAAATTTAAAAATCTCAGTCAA-3'
Protein context (NP_005422.1, residues 42-62): DILEFHGPEG[Thr52Ala]GKTEMLYHLT

ClinVar aggregate classification (germline): Uncertain significance (1 of 4 stars; one submission).

Allele frequency attached by ClinVar (database versions not stated): gnomAD exomes below 0.00001.

Submission:

Labcorp Genetics (formerly Invitae), Labcorp
Classification: Uncertain significance. Last evaluated: 2023-06-29. Review status: criteria provided, single submitter. Criteria: Invitae Variant Classification Sherloc (09022015). Collection method: clinical testing. Allele origin: germline.
Comment: This sequence change replaces threonine, which is neutral and polar, with alanine, which is neutral and non-polar, at codon 52 of the XRCC2 protein (p.Thr52Ala). This variant is not present in population databases (gnomAD no frequency). This variant has not been reported in the literature in individuals affected with XRCC2-related conditions. Advanced modeling of protein sequence and biophysical properties (such as structural, functional, and spatial information, amino acid conservation, physicochemical variation, residue mobility, and thermodynamic stability) performed at Invitae indicates that this missense variant is not expected to disrupt XRCC2 protein function. In summary, the available evidence is currently insufficient to determine the role of this variant in disease. Therefore, it has been classified as a Variant of Uncertain Significance.